The following is an entry in ClinVar:

NM_000441.2(SLC26A4):c.722A>T (p.Asn241Ile)

Gene: SLC26A4 (solute carrier family 26 member 4; plus strand). Cytogenetic location: 7q22.3.
Variant type: single nucleotide variant.
Coding change: c.722A>T on transcript NM_000441.2 (MANE Select); coding-DNA position 722, A replaced by T.
Protein change: p.Asn241Ile; replaces asparagine 241 with isoleucine.
Molecular consequence: missense variant.
Genome position (GRCh38, 1-based): chr7:107,675,066, A>T. VCF-style: chr7-107675066-A-T. GRCh37 (hg19) VCF-style: chr7-107315511-A-T.
Other names: short protein forms N241I.
Identifiers: ClinVar variation 2802330 (VCV002802330.3), dbSNP rs1177066459, ClinGen allele CA368831689.

ClinVar aggregate classification (germline): Uncertain significance (1 of 4 stars; one submission).

Submission:

Labcorp Genetics (formerly Invitae), Labcorp
Classification: Uncertain significance. Last evaluated: 2024-01-10. Review status: criteria provided, single submitter. Criteria: Invitae Variant Classification Sherloc (09022015). Collection method: clinical testing. Allele origin: germline.
Comment: This sequence change replaces asparagine, which is neutral and polar, with isoleucine, which is neutral and non-polar, at codon 241 of the SLC26A4 protein (p.Asn241Ile). This variant is not present in population databases (gnomAD no frequency). This missense change has been observed in individual(s) with clinical features of autosomal recessive nonsyndromic deafness (Invitae). In at least one individual the data is consistent with being in trans (on the opposite chromosome) from a pathogenic variant. Advanced modeling of protein sequence and biophysical properties (such as structural, functional, and spatial information, amino acid conservation, physicochemical variation, residue mobility, and thermodynamic stability) performed at Invitae indicates that this missense variant is expected to disrupt SLC26A4 protein function with a positive predictive value of 80%. In summary, the available evidence is currently insufficient to determine the role of this variant in disease. Therefore, it has been classified as a Variant of Uncertain Significance.